The following is an entry in ClinVar:

NM_004764.5(PIWIL1):c.78+8C>T

Gene: PIWIL1 (piwi like RNA-mediated gene silencing 1; plus strand). Cytogenetic location: 12q24.33.
Variant type: single nucleotide variant.
Coding change: c.78+8C>T on transcript NM_004764.5 (MANE Select); 8 bases into the intron after coding-DNA position 78, C replaced by T.
Molecular consequence: intron variant.
Genome position (GRCh38, 1-based): chr12:130,342,677, C>T. VCF-style: chr12-130342677-C-T. GRCh37 (hg19) VCF-style: chr12-130827222-C-T.
Other names: c.78+8C>T (NM_001190971.2).
Identifiers: ClinVar variation 3050449 (VCV003050449.2), dbSNP rs199804207, ClinGen allele CA6876867.

ClinVar aggregate classification (germline): Likely benign (0 of 4 stars; one submission).

Conditions:
PIWIL1-related disorder. Also called: PIWIL1-related condition.

Allele frequency attached by ClinVar (database versions not stated): gnomAD 0.00002; gnomAD exomes 0.00002; TOPMed 0.00002; ExAC 0.00006; 1000 Genomes Project 0.00020; 1000 Genomes Project 30x 0.00031.
gnomAD v4.1: 27 of 1,604,494 alleles (0.0017%); highest among the groups gnomAD compares: Admixed American, 0.022%; no homozygotes.

Submission:

PreventionGenetics, part of Exact Sciences
Classification: Likely benign for PIWIL1-related condition. Last evaluated: 2019-07-16. Review status: no assertion criteria provided. Collection method: clinical testing. Allele origin: germline.
Comment: This variant is classified as likely benign based on ACMG/AMP sequence variant interpretation guidelines (Richards et al. 2015 PMID: 25741868, with internal and published modifications).